The following is an entry in ClinVar:

NM_014000.3(VCL):c.1855G>A (p.Ala619Thr)

Gene: VCL (vinculin; plus strand). Cytogenetic location: 10q22.2.
Variant type: single nucleotide variant.
Coding change: c.1855G>A on transcript NM_014000.3 (MANE Select); coding-DNA position 1855, G replaced by A.
Protein change: p.Ala619Thr; replaces alanine 619 with threonine.
Molecular consequence: missense variant.
Genome position (GRCh38, 1-based): chr10:74,097,315, G>A. VCF-style: chr10-74097315-G-A. GRCh37 (hg19) VCF-style: chr10-75857073-G-A.
Other names: c.1855G>A, p.Ala619Thr (NM_003373.4); short protein forms A619T.
Identifiers: ClinVar variation 1997302 (VCV001997302.4), dbSNP rs2549227666, ClinGen allele CA377276880.
Genomic context (GRCh38, chr10:74,097,315, plus strand): 5'-TTCAGCGATACCACAACTCCCATCAAGCTGTTGGCAGTGGCAGCCACGGCGCCTCCTGAT[G>A]CGCCTAACAGGGAAGAGGTGGGTATCTGAGGTCTTCCATTTTTCTGTCAGCCTGTGCTAT-3'
Protein context (NP_054706.1, residues 609-629): LAVAATAPPD[Ala619Thr]PNREEVFDER

ClinVar aggregate classification (germline): Uncertain significance (1 of 4 stars; one submission).

Conditions:
Dilated cardiomyopathy 1W (CMD1W). Identifiers: Orphanet 154, MedGen C1969639, MONDO:0012667, OMIM 611407.

Submission:

Labcorp Genetics (formerly Invitae), Labcorp
Classification: Uncertain significance for Dilated cardiomyopathy 1W. Last evaluated: 2022-05-21. Review status: criteria provided, single submitter. Criteria: Invitae Variant Classification Sherloc (09022015). Collection method: clinical testing. Allele origin: germline.
Comment: In summary, the available evidence is currently insufficient to determine the role of this variant in disease. Therefore, it has been classified as a Variant of Uncertain Significance. Algorithms developed to predict the effect of missense changes on protein structure and function are either unavailable or do not agree on the potential impact of this missense change (SIFT: "Not Available"; PolyPhen-2: "Benign"; Align-GVGD: "Not Available"). This variant has not been reported in the literature in individuals affected with VCL-related conditions. This variant is not present in population databases (gnomAD no frequency). This sequence change replaces alanine, which is neutral and non-polar, with threonine, which is neutral and polar, at codon 619 of the VCL protein (p.Ala619Thr).